The following is an entry in ClinVar:

NM_020987.5(ANK3):c.11380T>G (p.Ser3794Ala)

Gene: ANK3 (ankyrin 3; minus strand). Cytogenetic location: 10q21.2.
Variant type: single nucleotide variant.
Coding change: c.11380T>G on transcript NM_020987.5 (MANE Select); coding-DNA position 11380, T replaced by G.
Protein change: p.Ser3794Ala; replaces serine 3794 with alanine.
Molecular consequence: missense variant. On other transcripts: intron variant (4).
Genome position (GRCh38, 1-based): chr10:60,069,501, A>C on the plus strand (T>G on the coding strand, the complement: ANK3 is on the minus strand). VCF-style: chr10-60069501-A-C. GRCh37 (hg19) VCF-style: chr10-61829259-A-C.
Other names: c.4388-1492T>G (NM_001204403.2); c.4409-1492T>G (NM_001204404.2); c.4406-1492T>G (NM_001320874.2); c.1808-1492T>G (NM_001149.4); c.11380T>G (NM_020987.3); short protein forms S3794A.
Identifiers: ClinVar variation 3619875 (VCV003619875.3).

ClinVar aggregate classification (germline): Uncertain significance. Review status: criteria provided, multiple submitters, no conflicts (2 of 4 stars). 2 submissions from 2 submitters: Uncertain significance (2). Last evaluated 2025-07-01.

Conditions:
Inborn genetic diseases. Identifiers: MedGen C0950123, MeSH D030342.

gnomAD v4.1: 3 of 1,613,782 alleles (0.00019%); highest among the groups gnomAD compares: African/African-American, 0.0027%; no homozygotes.

Submissions (2):

Ambry Genetics
Classification: Uncertain significance for Inborn genetic diseases. Last evaluated: 2025-07-01. Review status: criteria provided, single submitter. Criteria: Ambry Variant Classification Scheme 2023. Collection method: clinical testing. Allele origin: germline.

Labcorp Genetics (formerly Invitae), Labcorp
Classification: Uncertain significance. Last evaluated: 2024-03-12. Review status: criteria provided, single submitter. Criteria: Invitae Variant Classification Sherloc (09022015). Collection method: clinical testing. Allele origin: germline.
Comment: This sequence change replaces serine, which is neutral and polar, with alanine, which is neutral and non-polar, at codon 3794 of the ANK3 protein (p.Ser3794Ala). This variant is not present in population databases (gnomAD no frequency). This variant has not been reported in the literature in individuals affected with ANK3-related conditions. Advanced modeling of protein sequence and biophysical properties (such as structural, functional, and spatial information, amino acid conservation, physicochemical variation, residue mobility, and thermodynamic stability) performed at Invitae indicates that this missense variant is not expected to disrupt ANK3 protein function with a negative predictive value of 80%. In summary, the available evidence is currently insufficient to determine the role of this variant in disease. Therefore, it has been classified as a Variant of Uncertain Significance.